The following is an entry in ClinVar:

ClinVar aggregate classification (germline): Conflicting classifications of pathogenicity. Review status: criteria provided, conflicting classifications (1 of 4 stars). 5 submissions from 5 submitters: Uncertain significance (3); Likely benign (2). Last evaluated 2025-12-31.

Conditions:
Cardiovascular phenotype. Identifiers: MedGen CN230736.
Dilated cardiomyopathy 1DD (CMD1DD). Identifiers: Orphanet 154, MedGen C2750995, MONDO:0013168, OMIM 613172.

Allele frequency attached by ClinVar (database versions not stated): gnomAD 0.00001; gnomAD exomes 0.00002; TOPMed 0.00002.
gnomAD v4.1: 35 of 1,528,910 alleles (0.0023%); highest among the groups gnomAD compares: Admixed American, 0.0059%; no homozygotes.

Submissions (5):

Labcorp Genetics (formerly Invitae), Labcorp
Classification: Likely benign for Dilated cardiomyopathy 1DD. Last evaluated: 2025-12-31. Review status: criteria provided, single submitter. Criteria: Invitae Variant Classification Sherloc (09022015). Collection method: clinical testing. Allele origin: germline.

Ambry Genetics
Classification: Likely benign for Cardiovascular phenotype. Last evaluated: 2024-04-11. Review status: criteria provided, single submitter. Criteria: Ambry Variant Classification Scheme 2023. Collection method: clinical testing. Allele origin: germline.

GeneDx
Classification: Uncertain significance. Last evaluated: 2023-09-12. Review status: criteria provided, single submitter. Criteria: GeneDx Variant Classification Process June 2021. Collection method: clinical testing. Allele origin: germline. Affected: yes.
Comment: Has not been previously published as pathogenic or benign to our knowledge; In silico analysis supports that this missense variant does not alter protein structure/function

Molecular Diagnostic Laboratory for Inherited Cardiovascular Disease, Montreal Heart Institute
Classification: Uncertain significance. Last evaluated: 2016-11-28. Review status: criteria provided, single submitter. Criteria: ACMG Guidelines, 2015. Collection method: clinical testing. Allele origin: germline. Affected: yes.

Laboratory for Molecular Medicine, Mass General Brigham Personalized Medicine
Classification: Uncertain significance. Last evaluated: 2012-07-06. Review status: criteria provided, single submitter. Criteria: LMM Criteria. Collection method: clinical testing. Allele origin: germline. Observed: 1 variant allele.
Comment: The Ala1208Val variant in RBM20 has not been reported in the literature nor prev iously identified by our laboratory. Computational analyses (biochemical amino a cid properties, conservation, AlignGVGD, PolyPhen2, and SIFT) suggest that this variant may not impact the protein, though this information is not predictive en ough to rule out pathogenicity. Additional information is needed to fully assess the clinical significance of this variant.

NM_001134363.3(RBM20):c.3623C>T (p.Ala1208Val)

Gene: RBM20 (RNA binding motif protein 20; plus strand). Cytogenetic location: 10q25.2.
Variant type: single nucleotide variant.
Coding change: c.3623C>T on transcript NM_001134363.3 (MANE Select); coding-DNA position 3623, C replaced by T.
Protein change: p.Ala1208Val; replaces alanine 1208 with valine.
Molecular consequence: missense variant.
Genome position (GRCh38, 1-based): chr10:110,835,917, C>T. VCF-style: chr10-110835917-C-T. GRCh37 (hg19) VCF-style: chr10-112595675-C-T.
Other names: short protein forms A1208V.
Identifiers: ClinVar variation 44015 (VCV000044015.17), dbSNP rs397516618, ClinGen allele CA133381.
Genomic context (GRCh38, chr10:110,835,917, plus strand): 5'-TCTTTCCACAGAAATATTTGTCCCAGCTGGCCGAGGAGGGCCTCAAGGAGACCGAGGGGG[C>T]AGATAGCCCGAGGCCAGAGGACAGCGGAATCGTGCCACGCTTCGAAAGGAAAAAGCTCTG-3'
Protein context (NP_001127835.2, residues 1198-1218): AEEGLKETEG[Ala1208Val]DSPRPEDSGI